The following is an entry in ClinVar:

NM_012193.4(FZD4):c.42_51dup (p.Gly18fs)

Gene: FZD4 (frizzled class receptor 4; minus strand). Cytogenetic location: 11q14.2.
Variant type: Duplication.
Coding change: c.42_51dup on transcript NM_012193.4 (MANE Select); coding-DNA positions 42 to 51, 10 bases duplicated (CGGGGGCGTC; older notation c.42_51dupCGGGGGCGTC).
Protein change: p.Gly18fs; shifts the reading frame from glycine 18.
Molecular consequence: frameshift variant.
Genome position (GRCh38, 1-based): chr11:86,955,035-86,955,044, GACGCCCCCG duplicated on the plus strand (CGGGGGCGTC on the coding strand, the reverse complement: FZD4 is on the minus strand); duplicating any 10 consecutive bases within chr11:86,955,035-86,955,045 gives the same sequence; the c. name uses the placement nearest the transcript's 3' end. VCF-style (leftmost placement, unchanged base first): chr11-86955034-C-CGACGCCCCCG. GRCh37 (hg19) VCF-style: chr11-86666076-C-CGACGCCCCCG.
Other names: short protein forms G18fs.
Identifiers: ClinVar variation 2032979 (VCV002032979.4), dbSNP rs2495874844, ClinGen allele CA2580085003.
Genomic context (GRCh38, chr11:86,955,034, plus strand): 5'-CGAAGCCCCGCGCCGGCCCCAGGAGCAGCAGCAACTGCAGGAGCAACCCCAGACTGAGAC[C>CGACGCCCCCG]GACGCCCCCGGGCGCCCCCGGGACGCTCGGCCCTGCGCCCCGCCAGGCCATGGCCAGCAT-3'

ClinVar aggregate classification (germline): Pathogenic (1 of 4 stars; one submission).

Submission:

Labcorp Genetics (formerly Invitae), Labcorp
Classification: Pathogenic. Last evaluated: 2022-09-27. Review status: criteria provided, single submitter. Criteria: Invitae Variant Classification Sherloc (09022015). Collection method: clinical testing. Allele origin: germline.
Comment: This sequence change creates a premature translational stop signal (p.Gly18Argfs*115) in the FZD4 gene. While this is not anticipated to result in nonsense mediated decay, it is expected to disrupt the last 520 amino acid(s) of the FZD4 protein. This variant is not present in population databases (gnomAD no frequency). This variant has not been reported in the literature in individuals affected with FZD4-related conditions. This variant disrupts a region of the FZD4 protein in which other variant(s) (p.Gln505*) have been determined to be pathogenic (PMID: 15223780, 23077402). This suggests that this is a clinically significant region of the protein, and that variants that disrupt it are likely to be disease-causing. For these reasons, this variant has been classified as Pathogenic.

Literature cited by the submitters: PubMed 15223780; PubMed 23077402.